The following is an entry in ClinVar:

NM_007194.4(CHEK2):c.50C>T (p.Ala17Val)

Gene: CHEK2 (checkpoint kinase 2; minus strand). Cytogenetic location: 22q12.1.
Variant type: single nucleotide variant.
Coding change: c.50C>T on transcript NM_007194.4 (MANE Select); coding-DNA position 50, C replaced by T.
Protein change: p.Ala17Val; replaces alanine 17 with valine.
Molecular consequence: missense variant.
Genome position (GRCh38, 1-based): chr22:28,734,672, G>A on the plus strand (C>T on the coding strand, the complement: CHEK2 is on the minus strand). VCF-style: chr22-28734672-G-A. GRCh37 (hg19) VCF-style: chr22-29130660-G-A.
Other names: c.50C>T, p.Ala17Val (NM_001005735.3, NM_001349956.3, NM_145862.3); c.-728C>T (NM_001257387.3); short protein forms A17V.
Identifiers: ClinVar variation 1054054 (VCV001054054.10), dbSNP rs2146154904, ClinGen allele CA411091871.

ClinVar aggregate classification (germline): Uncertain significance (1 of 4 stars; one submission).

Conditions:
Familial cancer of breast. Also called: BREAST CANCER, FAMILIAL; Hereditary breast cancer; hereditary breast carcinoma. Identifiers: Orphanet 227535, MedGen C0346153, MONDO:0016419, OMIM 114480. Disease mechanism: loss of function.

Submission:

Labcorp Genetics (formerly Invitae), Labcorp
Classification: Uncertain significance for Familial cancer of breast. Last evaluated: 2023-03-16. Review status: criteria provided, single submitter. Criteria: Invitae Variant Classification Sherloc (09022015). Collection method: clinical testing. Allele origin: germline.
Comment: In summary, the available evidence is currently insufficient to determine the role of this variant in disease. Therefore, it has been classified as a Variant of Uncertain Significance. An algorithm developed to predict the effect of missense changes on protein structure and function (PolyPhen-2) suggests that this variant is likely to be tolerated. ClinVar contains an entry for this variant (Variation ID: 1054054). This variant has not been reported in the literature in individuals affected with CHEK2-related conditions. This variant is not present in population databases (gnomAD no frequency). This sequence change replaces alanine, which is neutral and non-polar, with valine, which is neutral and non-polar, at codon 17 of the CHEK2 protein (p.Ala17Val).